The following is an entry in ClinVar:

ClinVar aggregate classification (germline): Conflicting classifications of pathogenicity. Review status: criteria provided, conflicting classifications (1 of 4 stars). 2 submissions from 2 submitters: Uncertain significance (1); Likely benign (1). Last evaluated 2025-05-18.

Conditions:
Cardiovascular phenotype. Identifiers: MedGen CN230736.
Hereditary cancer-predisposing syndrome. Also called: Hereditary Cancer Syndrome; Hereditary neoplastic syndrome; Neoplastic Syndromes, Hereditary; Tumor predisposition. Identifiers: Orphanet 140162, MedGen C0027672, MeSH D009386, MONDO:0015356.

Allele frequency attached by ClinVar (database versions not stated): ExAC 0.00002.

Submissions (2):

Labcorp Genetics (formerly Invitae), Labcorp
Classification: Likely benign. Last evaluated: 2025-05-18. Review status: criteria provided, single submitter. Criteria: Invitae Variant Classification Sherloc (09022015). Collection method: clinical testing. Allele origin: germline.

Ambry Genetics
Classification: Uncertain significance for Cardiovascular phenotype; Hereditary cancer-predisposing syndrome. Last evaluated: 2024-02-01. Review status: criteria provided, single submitter. Criteria: Ambry Variant Classification Scheme 2023. Collection method: clinical testing. Allele origin: germline.
Comment: The c.1450-5C>G intronic variant results from a C to G substitution 5 nucleotides upstream from coding exon 14 in the LZTR1 gene. This nucleotide position is not well conserved in available vertebrate species. In silico splice site analysis predicts that this alteration will not have any significant effect on splicing; however, direct evidence is insufficient at this time (Ambry internal data). Based on the available evidence, the clinical significance of this alteration remains unclear.

NM_006767.4(LZTR1):c.1450-5C>G

Gene: LZTR1 (leucine zipper like post translational regulator 1; plus strand). Cytogenetic location: 22q11.21.
Variant type: single nucleotide variant.
Coding change: c.1450-5C>G on transcript NM_006767.4 (MANE Select); 5 bases into the intron before coding-DNA position 1450, C replaced by G.
Molecular consequence: intron variant.
Genome position (GRCh38, 1-based): chr22:20,994,099, C>G. VCF-style: chr22-20994099-C-G. GRCh37 (hg19) VCF-style: chr22-21348388-C-G.
Identifiers: ClinVar variation 1772931 (VCV001772931.5), dbSNP rs760733168, ClinGen allele CA10118903.
Genomic context (GRCh38, chr22:20,994,099, plus strand): 5'-TGCCCTGACCTGGCAGCCATGCCTGGTGTCCACTGGGGTGTCCTTGAGCTCCCTTCTCCC[C>G]ACAGAAGCTGGAGCAGGAGGCCGCCCCAGTTCCCAGGGAGGCCCCCGGCGTGGCTGCTGG-3'